The following is an entry in ClinVar:

ClinVar aggregate classification (germline): Uncertain significance. Review status: criteria provided, multiple submitters, no conflicts (2 of 4 stars). 2 submissions from 2 submitters: Uncertain significance (2). Last evaluated 2025-04-29.

Conditions:
Long QT syndrome (LQTS). Identifiers: MedGen C0023976, MeSH D008133, MONDO:0002442. Disease mechanism: loss of function. Inheritance: Various modes of inheritance.
Cardiovascular phenotype. Identifiers: MedGen CN230736.

Allele frequency attached by ClinVar (database versions not stated): gnomAD 0.00001; TOPMed 0.00001.

Submissions (2):

Ambry Genetics
Classification: Uncertain significance for Cardiovascular phenotype. Last evaluated: 2025-04-29. Review status: criteria provided, single submitter. Criteria: Ambry Variant Classification Scheme 2023. Collection method: clinical testing. Allele origin: germline.

Labcorp Genetics (formerly Invitae), Labcorp
Classification: Uncertain significance for Long QT syndrome. Last evaluated: 2016-08-08. Review status: criteria provided, single submitter. Criteria: Invitae Variant Classification Sherloc (09022015). Collection method: clinical testing. Allele origin: germline.
Comment: In summary, this variant is a novel missense change with uncertain impact on protein function. It has been classified as a Variant of Uncertain Significance. Algorithms developed to predict the effect of missense changes on protein structure and function do not agree on the potential impact of this missense change (SIFT: "Tolerated"; PolyPhen-2: "Possibly Damaging"; Align-GVGD: "Class C0"). This variant is not present in population databases (ExAC no frequency) and has not been reported in the literature in individuals with a AKAP9-related disease. This sequence change replaces alanine with valine at codon 3286 of the AKAP9 protein (p.Ala3286Val). The alanine residue is highly conserved and there is a small physicochemical difference between alanine and valine.

NM_005751.5(AKAP9):c.9857C>T (p.Ala3286Val)

Gene: AKAP9 (A-kinase anchoring protein 9; plus strand). Cytogenetic location: 7q21.2.
Variant type: single nucleotide variant.
Coding change: c.9857C>T on transcript NM_005751.5 (MANE Select); coding-DNA position 9857, C replaced by T.
Protein change: p.Ala3286Val; replaces alanine 3286 with valine.
Molecular consequence: missense variant.
Genome position (GRCh38, 1-based): chr7:92,096,816, C>T. VCF-style: chr7-92096816-C-T. GRCh37 (hg19) VCF-style: chr7-91726130-C-T.
Other names: c.4502C>T, p.Ala1501Val (NM_001379277.1); c.9833C>T, p.Ala3278Val (NM_147185.3); short protein forms A3286V, A3278V, A1501V.
Identifiers: ClinVar variation 412023 (VCV000412023.12), dbSNP rs891249707, ClinGen allele CA16612432.